The following is an entry in ClinVar:

NM_020806.5(GPHN):c.400G>A (p.Gly134Arg)

Gene: GPHN (gephyrin; plus strand). Cytogenetic location: 14q23.3.
Variant type: single nucleotide variant.
Coding change: c.400G>A on transcript NM_020806.5 (MANE Select); coding-DNA position 400, G replaced by A.
Protein change: p.Gly134Arg; replaces glycine 134 with arginine.
Molecular consequence: missense variant.
Genome position (GRCh38, 1-based): chr14:66,916,013, G>A. VCF-style: chr14-66916013-G-A. GRCh37 (hg19) VCF-style: chr14-67382730-G-A.
Other names: c.400G>A, p.Gly134Arg (NM_001024218.2, NM_001377515.1, NM_001377516.1 and 2 more transcripts); c.439G>A, p.Gly147Arg (NM_001377514.1, NM_001377519.1); short protein forms G134R, G147R.
Identifiers: ClinVar variation 2120712 (VCV002120712.4), dbSNP rs2549597698, ClinGen allele CA390255844.
Genomic context (GRCh38, chr14:66,916,013, plus strand): 5'-CCGGGCATTCATAGCAATTTAGTGTTCATCTACTTTCTCTTTTCTTTCAGGCCTGTATGT[G>A]GAATCAGAGGGAAAACGCTCATAATTAACCTGCCAGGTAGCAAGAAAGGATCTCAGGTAA-3'
Protein context (NP_065857.1, residues 124-144): PLGMLSRPVC[Gly134Arg]IRGKTLIINL

ClinVar aggregate classification (germline): Pathogenic (1 of 4 stars; one submission).

Conditions:
Sulfite oxidase deficiency due to molybdenum cofactor deficiency type C. Also called: Molybdenum cofactor deficiency, complementation group C; Molybdenum cofactor deficiency C. Identifiers: Orphanet 308400, Orphanet 833, MedGen C1854990, MONDO:0014212, OMIM 615501.

Submission:

Labcorp Genetics (formerly Invitae), Labcorp
Classification: Pathogenic for Sulfite oxidase deficiency due to molybdenum cofactor deficiency type C. Last evaluated: 2024-01-08. Review status: criteria provided, single submitter. Criteria: Invitae Variant Classification Sherloc (09022015). Collection method: clinical testing. Allele origin: germline.
Comment: This sequence change replaces glycine, which is neutral and non-polar, with arginine, which is basic and polar, at codon 134 of the GPHN protein (p.Gly134Arg). This variant is not present in population databases (gnomAD no frequency). This missense change has been observed in individual(s) with clinical features of GPHN-related conditions (Invitae). In at least one individual the variant was observed to be de novo. ClinVar contains an entry for this variant (Variation ID: 2120712). Advanced modeling of protein sequence and biophysical properties (such as structural, functional, and spatial information, amino acid conservation, physicochemical variation, residue mobility, and thermodynamic stability) performed at Invitae indicates that this missense variant is expected to disrupt GPHN protein function with a positive predictive value of 80%. For these reasons, this variant has been classified as Pathogenic.